The following is an entry in ClinVar:

ClinVar aggregate classification (germline): Benign (1 of 4 stars; one submission).

Allele frequency attached by ClinVar (database versions not stated): TOPMed 0.04949; gnomAD 0.04956 and 0.05240; 1000 Genomes Project 30x 0.07964; 1000 Genomes Project 0.08307.
gnomAD v4.1: 7,935 of 152,178 alleles (5.2%); highest among the groups gnomAD compares: East Asian, 15%; 267 homozygotes.

Submission:

GeneDx
Classification: Benign. Last evaluated: 2018-06-19. Review status: criteria provided, single submitter. Criteria: GeneDx Variant Classification (06012015). Collection method: clinical testing. Allele origin: germline. Affected: yes.
Comment: This variant is considered likely benign or benign based on one or more of the following criteria: it is a conservative change, it occurs at a poorly conserved position in the protein, it is predicted to be benign by multiple in silico algorithms, and/or has population frequency not consistent with disease.

NM_001103.4(ACTN2):c.1656+258C>T

Gene: ACTN2 (actinin alpha 2; plus strand). Cytogenetic location: 1q43.
Variant type: single nucleotide variant.
Coding change: c.1656+258C>T on transcript NM_001103.4 (MANE Select); 258 bases into the intron after coding-DNA position 1656, C replaced by T.
Molecular consequence: intron variant.
Genome position (GRCh38, 1-based): chr1:236,749,522, C>T. VCF-style: chr1-236749522-C-T. GRCh37 (hg19) VCF-style: chr1-236912822-C-T.
Other names: c.1032+258C>T (NM_001278344.2); c.1656+258C>T (NM_001278343.2).
Identifiers: ClinVar variation 668646 (VCV000668646.1), dbSNP rs76505998, ClinGen allele CA39737662.